The following is an entry in ClinVar:

ClinVar aggregate classification (germline): Pathogenic (1 of 4 stars; one submission).

Conditions:
Developmental and epileptic encephalopathy, 54. Also called: HNRNPU-Related Neurodevelopmental Disorder; Epileptic encephalopathy, early infantile, 54. Identifiers: MedGen C4479319, MONDO:0033363, OMIM 617391.

Submission:

Labcorp Genetics (formerly Invitae), Labcorp
Classification: Pathogenic for Developmental and epileptic encephalopathy, 54. Last evaluated: 2025-07-23. Review status: criteria provided, single submitter. Criteria: Invitae Variant Classification Sherloc (09022015). Collection method: clinical testing. Allele origin: germline.
Comment: This sequence change creates a premature translational stop signal (p.Gly220Argfs*25) in the HNRNPU gene. It is expected to result in an absent or disrupted protein product. Loss-of-function variants in HNRNPU are known to be pathogenic (PMID: 22678713, 28283832). This variant is not present in population databases (gnomAD no frequency). This variant has not been reported in the literature in individuals affected with HNRNPU-related conditions. For these reasons, this variant has been classified as Pathogenic.

Literature cited by the submitters: PubMed 22678713; PubMed 28283832.

NM_031844.3(HNRNPU):c.651_657dup (p.Gly220fs)

Gene: HNRNPU (heterogeneous nuclear ribonucleoprotein U; minus strand). Cytogenetic location: 1q44.
Variant type: Duplication.
Coding change: c.651_657dup on transcript NM_031844.3 (MANE Select); coding-DNA positions 651 to 657, 7 bases duplicated (AGGCGGC; older notation c.651_657dupAGGCGGC).
Protein change: p.Gly220fs; shifts the reading frame from glycine 220.
Molecular consequence: frameshift variant. On other transcripts: intron variant (1).
Genome position (GRCh38, 1-based): chr1:244,863,651-244,863,657, GCCGCCT duplicated on the plus strand (AGGCGGC on the coding strand, the reverse complement: HNRNPU is on the minus strand). VCF-style (leftmost placement, unchanged base first): chr1-244863650-C-CGCCGCCT. GRCh37 (hg19) VCF-style: chr1-245026952-C-CGCCGCCT.
Other names: c.634+17_634+23dup (NM_004501.3); short protein forms G220fs.
Identifiers: ClinVar variation 4723842 (VCV004723842.1).